The following is an entry in ClinVar:

NM_001165963.4(SCN1A):c.3332T>C (p.Leu1111Pro)

Genes: SCN1A (sodium voltage-gated channel alpha subunit 1; minus strand), LOC102724058 (uncharacterized LOC102724058; plus strand). Cytogenetic location: 2q24.3.
Variant type: single nucleotide variant.
Coding change: c.3332T>C on transcript NM_001165963.4 (MANE Select); coding-DNA position 3332, T replaced by C.
Protein change: p.Leu1111Pro; replaces leucine 1111 with proline.
Molecular consequence: missense variant. On other transcripts: non-coding transcript variant (2).
Genome position (GRCh38, 1-based): chr2:166,036,145, A>G on the plus strand (T>C on the coding strand, the complement: SCN1A is on the minus strand). VCF-style: chr2-166036145-A-G. GRCh37 (hg19) VCF-style: chr2-166892655-A-G.
Other names: c.3299T>C, p.Leu1100Pro (NM_001353949.2, NM_001353950.2, NM_001353951.2 and 2 more transcripts); c.3296T>C, p.Leu1099Pro (NM_001353954.2, NM_001353955.2); c.3248T>C, p.Leu1083Pro (NM_001353957.2, NM_001353958.2, NM_001165964.3); c.3245T>C, p.Leu1082Pro (NM_001353960.2); c.890T>C, p.Leu297Pro (NM_001353961.2); c.3332T>C, p.Leu1111Pro (NM_001202435.3, NM_001353948.2); c.3332T>C (NM_001165963.1); short protein forms L1082P, L1083P, L1100P, L1099P, L1111P, L297P.
Identifiers: ClinVar variation 3008878 (VCV003008878.4), dbSNP rs1366438174, ClinGen allele CA349059281.

ClinVar aggregate classification (germline): Uncertain significance. Review status: criteria provided, multiple submitters, no conflicts (2 of 4 stars). 2 submissions from 2 submitters: Uncertain significance (2). Last evaluated 2026-04-20.

Conditions:
Early-infantile DEE. Also called: Early infantile epileptic encephalopathy; Ohtahara syndrome; Early infantile epileptic encephalopathy with suppression bursts. Identifiers: Orphanet 1934, MedGen C0393706, MONDO:0800491.

Allele frequency attached by ClinVar (database versions not stated): gnomAD 0.00001; TOPMed 0.00002.
gnomAD v4.1: 3 of 1,613,900 alleles (0.00019%); highest among the groups gnomAD compares: African/African-American, 0.0027%; no homozygotes.

Submissions (2):

GeneDx
Classification: Uncertain significance. Last evaluated: 2026-04-20. Review status: criteria provided, single submitter. Criteria: GeneDx Variant Classification Process June 2021. Collection method: clinical testing. Allele origin: germline.
Comment: Has not been previously published as pathogenic or benign to our knowledge; Not observed at significant frequency in large population cohorts (gnomAD); This substitution is predicted to be within the cytoplasmic loop between the second and third homologous domains; In silico analysis supports that this missense variant has a deleterious effect on protein structure/function

Labcorp Genetics (formerly Invitae), Labcorp
Classification: Uncertain significance for Early-infantile DEE. Last evaluated: 2023-11-10. Review status: criteria provided, single submitter. Criteria: Invitae Variant Classification Sherloc (09022015). Collection method: clinical testing. Allele origin: germline.
Comment: This sequence change replaces leucine, which is neutral and non-polar, with proline, which is neutral and non-polar, at codon 1111 of the SCN1A protein (p.Leu1111Pro). This variant is present in population databases (no rsID available, gnomAD 0.007%). This variant has not been reported in the literature in individuals affected with SCN1A-related conditions. Advanced modeling of protein sequence and biophysical properties (such as structural, functional, and spatial information, amino acid conservation, physicochemical variation, residue mobility, and thermodynamic stability) performed at Invitae indicates that this missense variant is expected to disrupt SCN1A protein function with a positive predictive value of 95%. In summary, the available evidence is currently insufficient to determine the role of this variant in disease. Therefore, it has been classified as a Variant of Uncertain Significance.